The following is an entry in ClinVar:

NM_001184.4(ATR):c.3865A>C (p.Met1289Leu)

Gene: ATR (ATR serine/threonine kinase; minus strand). Cytogenetic location: 3q23.
Variant type: single nucleotide variant.
Coding change: c.3865A>C on transcript NM_001184.4 (MANE Select); coding-DNA position 3865, A replaced by C.
Protein change: p.Met1289Leu; replaces methionine 1289 with leucine.
Molecular consequence: missense variant.
Genome position (GRCh38, 1-based): chr3:142,535,160, T>G on the plus strand (A>C on the coding strand, the complement: ATR is on the minus strand). VCF-style: chr3-142535160-T-G. GRCh37 (hg19) VCF-style: chr3-142254002-T-G.
Other names: c.3673A>C, p.Met1225Leu (NM_001354579.2); short protein forms M1225L, M1289L.
Identifiers: ClinVar variation 3461644 (VCV003461644.1).

ClinVar aggregate classification (germline): Uncertain significance (1 of 4 stars; one submission).

Conditions:
Inborn genetic diseases. Identifiers: MedGen C0950123, MeSH D030342.

Submission:

Ambry Genetics
Classification: Uncertain significance for Inborn genetic diseases. Last evaluated: 2024-07-15. Review status: criteria provided, single submitter. Criteria: Ambry Variant Classification Scheme 2023. Collection method: clinical testing. Allele origin: germline.
Comment: The p.M1289L variant (also known as c.3865A>C), located in coding exon 21 of the ATR gene, results from an A to C substitution at nucleotide position 3865. The methionine at codon 1289 is replaced by leucine, an amino acid with highly similar properties. This amino acid position is conserved. In addition, the in silico prediction for this alteration is inconclusive. Based on the available evidence, the clinical significance of this variant remains unclear.